The following is an entry in ClinVar:

ClinVar aggregate classification (germline): Uncertain significance (1 of 4 stars; one submission).

Conditions:
Leigh syndrome (NULS). Also called: Leigh Disease; Subacute necrotizing encephalopathy; Necrotizing encephalopathy infantile subacute of Leigh; Leigh Syndrome (mtDNA deletion); Leigh's necrotizing encephalopathy; Leigh's disease. Identifiers: Orphanet 506, MedGen C2931891, MONDO:0009723, OMIM 256000.

Submission:

Labcorp Genetics (formerly Invitae), Labcorp
Classification: Uncertain significance for Leigh syndrome. Last evaluated: 2025-11-17. Review status: criteria provided, single submitter. Criteria: Invitae Variant Classification Sherloc (09022015). Collection method: clinical testing. Allele origin: germline.
Comment: This sequence change replaces lysine, which is basic and polar, with asparagine, which is neutral and polar, at codon 121 of the SURF1 protein (p.Lys121Asn). This variant is not present in population databases (gnomAD no frequency). This variant has not been reported in the literature in individuals affected with SURF1-related conditions. ClinVar contains an entry for this variant (Variation ID: 1966624). Invitae Evidence Modeling of protein sequence and biophysical properties (such as structural, functional, and spatial information, amino acid conservation, physicochemical variation, residue mobility, and thermodynamic stability) has been performed for this missense variant. However, the output from this modeling did not meet the statistical confidence thresholds required to predict the impact of this variant on SURF1 protein function. In summary, the available evidence is currently insufficient to determine the role of this variant in disease. Therefore, it has been classified as a Variant of Uncertain Significance.

NM_003172.4(SURF1):c.363G>C (p.Lys121Asn)

Gene: SURF1 (SURF1 cytochrome c oxidase assembly factor; minus strand). Cytogenetic location: 9q34.2.
Variant type: single nucleotide variant.
Coding change: c.363G>C on transcript NM_003172.4 (MANE Select); coding-DNA position 363, G replaced by C.
Protein change: p.Lys121Asn; replaces lysine 121 with asparagine.
Molecular consequence: missense variant.
Genome position (GRCh38, 1-based): chr9:133,353,901, C>G on the plus strand (G>C on the coding strand, the complement: SURF1 is on the minus strand). VCF-style: chr9-133353901-C-G. GRCh37 (hg19) VCF-style: chr9-136220756-C-G.
Other names: c.36G>C, p.Lys12Asn (NM_001280787.1); short protein forms K12N, K121N.
Identifiers: ClinVar variation 1966624 (VCV001966624.5), dbSNP rs782136212, ClinGen allele CA375694437.